The following is an entry in ClinVar:

NM_199420.4(POLQ):c.28C>T (p.Arg10Trp)

Genes: POLQ (DNA polymerase theta; minus strand), LOC112872292 (Sharpr-MPRA regulatory region 30; plus strand). Cytogenetic location: 3q13.33.
Variant type: single nucleotide variant.
Coding change: c.28C>T on transcript NM_199420.4 (MANE Select); coding-DNA position 28, C replaced by T.
Protein change: p.Arg10Trp; replaces arginine 10 with tryptophan.
Molecular consequence: missense variant.
Genome position (GRCh38, 1-based): chr3:121,545,850, G>A on the plus strand (C>T on the coding strand, the complement: POLQ is on the minus strand). VCF-style: chr3-121545850-G-A. GRCh37 (hg19) VCF-style: chr3-121264697-G-A.
Other names: short protein forms R10W.
Identifiers: ClinVar variation 1797414 (VCV001797414.2), dbSNP rs2048530350, ClinGen allele CA354097831.

ClinVar aggregate classification (germline): Uncertain significance (1 of 4 stars; one submission).

Submission:

Ambry Genetics
Classification: Uncertain significance. Last evaluated: 2022-09-21. Review status: criteria provided, single submitter. Criteria: Ambry Variant Classification Scheme 2023. Collection method: clinical testing. Allele origin: germline.
Comment: The p.R10W variant (also known as c.28C>T), located in coding exon 1 of the POLQ gene, results from a C to T substitution at nucleotide position 28. The arginine at codon 10 is replaced by tryptophan, an amino acid with dissimilar properties. This amino acid position is conserved. In addition, this alteration is predicted to be tolerated by in silico analysis. Since supporting evidence is limited at this time, the clinical significance of this alteration remains unclear.